The following is an entry in ClinVar:

NM_000268.4(NF2):c.931A>T (p.Arg311Trp)

Gene: NF2 (NF2, moesin-ezrin-radixin like (MERLIN) tumor suppressor; plus strand). Cytogenetic location: 22q12.2.
Variant type: single nucleotide variant.
Coding change: c.931A>T on transcript NM_000268.4 (MANE Select); coding-DNA position 931, A replaced by T.
Protein change: p.Arg311Trp; replaces arginine 311 with tryptophan.
Molecular consequence: missense variant. On other transcripts: non-coding transcript variant (1), intron variant (1).
Genome position (GRCh38, 1-based): chr22:29,668,378, A>T. VCF-style: chr22-29668378-A-T. GRCh37 (hg19) VCF-style: chr22-30064367-A-T.
Other names: c.817A>T, p.Arg273Trp (NM_001407053.1, NM_001407056.1); c.808A>T, p.Arg270Trp (NM_001407054.1, NM_001407058.1, NM_181829.3); c.805A>T, p.Arg269Trp (NM_001407055.1, NM_181828.3); c.796A>T, p.Arg266Trp (NM_001407057.1, NM_001407059.1); c.931A>T, p.Arg311Trp (NM_001407060.1, NM_001407066.1, NM_016418.5 and 2 more transcripts); c.673A>T, p.Arg225Trp (NM_001407062.1); c.682A>T, p.Arg228Trp (NM_001407063.1, NM_001407064.1, NM_181830.3 and 1 more transcripts); c.397A>T, p.Arg133Trp (NM_001407065.1); and 2 more; short protein forms R225W, R133W, R228W, R266W, R269W, R270W, R234W, R273W.
Identifiers: ClinVar variation 3405022 (VCV003405022.1).
Genomic context (GRCh38, chr22:29,668,378, plus strand): 5'-CTTCTGTGGCCACAGATTCTCCAGCTATGTATCGGGAACCATGATCTATTTATGAGGAGA[A>T]GGAAAGCCGATTCTTTGGAAGTTCAGCAGATGAAAGCCCAGGCCAGGGAGGAGAAGGCTA-3'
Protein context (NP_000259.1, residues 301-321): IGNHDLFMRR[Arg311Trp]KADSLEVQQM

ClinVar aggregate classification (germline): Uncertain significance (1 of 4 stars; one submission).

Conditions:
Hereditary cancer-predisposing syndrome. Also called: Neoplastic Syndromes, Hereditary; Tumor predisposition; Hereditary Cancer Syndrome; Hereditary neoplastic syndrome. Identifiers: Orphanet 140162, MedGen C0027672, MeSH D009386, MONDO:0015356.

Submission:

Ambry Genetics
Classification: Uncertain significance for Hereditary cancer-predisposing syndrome. Last evaluated: 2024-10-25. Review status: criteria provided, single submitter. Criteria: Ambry Variant Classification Scheme 2023. Collection method: clinical testing. Allele origin: germline.
Comment: The p.R311W variant (also known as c.931A>T), located in coding exon 10 of the NF2 gene, results from an A to T substitution at nucleotide position 931. The arginine at codon 311 is replaced by tryptophan, an amino acid with dissimilar properties. This amino acid position is conserved. In addition, this alteration is predicted to be deleterious by in silico analysis. Based on the available evidence, the clinical significance of this variant remains unclear.